The following is an entry in ClinVar:

ClinVar aggregate classification (germline): Likely pathogenic (1 of 4 stars; one submission).

Conditions:
Dilated cardiomyopathy 1G (CMD1G). Identifiers: Orphanet 154, MedGen C1858763, MONDO:0011400, OMIM 604145.
Autosomal recessive limb-girdle muscular dystrophy type 2J (LGMDR10). Also called: Limb-girdle muscular dystrophy, type 2J; MUSCULAR DYSTROPHY, LIMB-GIRDLE, AUTOSOMAL RECESSIVE 10. Identifiers: Orphanet 140922, MedGen C1837342, MONDO:0012127, OMIM 608807.

Allele frequency attached by ClinVar (database versions not stated): TOPMed below 0.00001.

Submission:

Labcorp Genetics (formerly Invitae), Labcorp
Classification: Likely pathogenic for Dilated cardiomyopathy 1G; Autosomal recessive limb-girdle muscular dystrophy type 2J. Last evaluated: 2025-02-13. Review status: criteria provided, single submitter. Criteria: Invitae Variant Classification Sherloc (09022015). Collection method: clinical testing. Allele origin: germline.
Comment: This sequence change creates a premature translational stop signal (p.Glu14957*) in the TTN gene. While this is not anticipated to result in nonsense mediated decay, it is expected to create a truncated TTN protein. This variant is not present in population databases (gnomAD no frequency). This variant has not been reported in the literature in individuals affected with TTN-related conditions. ClinVar contains an entry for this variant (Variation ID: 1915236). This variant is located in the I band of TTN (PMID: 25589632). Truncating variants in this region have been reported in individuals affected with autosomal recessive centronuclear myopathy (PMID: 23975875, internal data). Truncating variants in this region have also been identified in individuals affected with autosomal dominant dilated cardiomyopathy and/or cardio-related conditions (PMID: 27869827, 32964742, internal data). In summary, the currently available evidence indicates that the variant is pathogenic, but additional data are needed to prove that conclusively. Therefore, this variant has been classified as Likely Pathogenic.

Literature cited by the submitters: PubMed 25589632; PubMed 23975875; PubMed 27869827; PubMed 32964742.

NM_001267550.2(TTN):c.44869G>T (p.Glu14957Ter)

Gene: TTN (titin; minus strand). Cytogenetic location: 2q31.2.
Variant type: single nucleotide variant.
Coding change: c.44869G>T on transcript NM_001267550.2 (MANE Select); coding-DNA position 44869, G replaced by T.
Protein change: p.Glu14957Ter; replaces glutamic acid 14957 with a stop codon.
Molecular consequence: nonsense.
Genome position (GRCh38, 1-based): chr2:178,622,714, C>A on the plus strand (G>T on the coding strand, the complement: TTN is on the minus strand). VCF-style: chr2-178622714-C-A. GRCh37 (hg19) VCF-style: chr2-179487441-C-A.
Other names: c.39946G>T, p.Glu13316Ter (NM_001256850.1); c.17674G>T, p.Glu5892Ter (NM_003319.4); c.37165G>T, p.Glu12389Ter (NM_133378.4); c.18049G>T, p.Glu6017Ter (NM_133432.3); c.18250G>T, p.Glu6084Ter (NM_133437.4); short protein forms E5892*, E13316*, E6017*, E12389*, E14957*, E6084*.
Identifiers: ClinVar variation 1915236 (VCV001915236.5), dbSNP rs1265322006, ClinGen allele CA349638795.
Genomic context (GRCh38, chr2:178,622,714, plus strand): 5'-GTATACAGTCACAGACCTTAGCATTTTCTCGGGAAAGTTCACACTCAAATCGAGCCATTT[C>A]TTTTTCTCTAACTTGAAGGTCGGTGAGTGGTCTTAAGAATTCCACATGAGGAGCTGTAAG-3'